The following is an entry in ClinVar:

ClinVar aggregate classification (germline): Conflicting classifications of pathogenicity. Review status: criteria provided, conflicting classifications (1 of 4 stars). 7 submissions from 3 submitters: Uncertain significance (2); Likely benign (5). Last evaluated 2025-01-31.

Conditions:
Hypokalemic periodic paralysis, type 2 (HOKPP2). Identifiers: Orphanet 681, MedGen C2750061, MONDO:0013234, OMIM 613345.
Congenital myasthenic syndrome 16. Identifiers: Orphanet 590, MedGen C3280112, MONDO:0013620, OMIM 614198.
Potassium-aggravated myotonia. Also called: Myotonia congenita, atypical, acetazolamide-responsive; MYOTONIA CONGENITA, ACETAZOLAMIDE-RESPONSIVE; MYOTONIA CONGENITA, ATYPICAL; SODIUM CHANNEL MUSCLE DISEASE. Identifiers: Orphanet 612, Orphanet 99734, Orphanet 99735, Orphanet 99736, MedGen C2931826, MONDO:0018959, OMIM 608390.
Paramyotonia congenita of Von Eulenburg. Also called: Paramyotonia Congenita; PARALYSIS PERIODICA PARAMYOTONICA; Eulenburg disease; Myotonia congenita intermittens; Von Eulenburg paramyotonia congenita. Identifiers: Orphanet 684, MedGen C0221055, MONDO:0008195, OMIM 168300. Disease mechanism: loss of function.
Hyperkalemic periodic paralysis. Also called: Familial hyperkalemic periodic paralysis; Gamstorp disease. Identifiers: Orphanet 682, MedGen C0238357, MONDO:0008224, OMIM 170500, HP:0007215.

Allele frequency attached by ClinVar (database versions not stated): gnomAD 0.00006; ExAC 0.00010; gnomAD exomes 0.00009; 1000 Genomes Project 30x 0.00016; 1000 Genomes Project 0.00020; TOPMed 0.00009.

Submissions (7):

Mayo Clinic Laboratories, Mayo Clinic
Classification: Likely benign. Last evaluated: 2025-01-31. Review status: criteria provided, single submitter. Criteria: ACMG Guidelines, 2015. Collection method: clinical testing. Allele origin: germline. Observed: 1 variant allele.
Comment: BP4, BP7

GeneDx
Classification: Uncertain significance. Last evaluated: 2024-03-20. Review status: criteria provided, single submitter. Criteria: GeneDx Variant Classification Process June 2021. Collection method: clinical testing. Allele origin: germline. Affected: yes.
Comment: Nucleotide is not conserved across species and the substitution has no predicted effect on splicing; Alters the Kozak sequence, which plays a major role in the initiation of translation; Has not been previously published as pathogenic or benign to our knowledge

Illumina Laboratory Services, Illumina
Classification: Likely benign for Potassium-aggravated myotonia. Last evaluated: 2018-01-13. Review status: criteria provided, single submitter. Criteria: ICSL Variant Classification Criteria 13 December 2019. Collection method: clinical testing. Allele origin: germline.
Comment: This variant was observed in the ICSL laboratory as part of a predisposition screen in an ostensibly healthy population. It had not been previously curated by ICSL or reported in the Human Gene Mutation Database (HGMD: prior to June 1st, 2018), and was therefore a candidate for classification through an automated scoring system. Utilizing variant allele frequency, disease prevalence and penetrance estimates, and inheritance mode, an automated score was calculated to assess if this variant is too frequent to cause the disease. Based on the score and internal cut-off values, a variant classified as likely benign is not then subjected to further curation. The score for this variant resulted in a classification of likely benign for this disease.

Illumina Laboratory Services, Illumina
Classification: Likely benign for Hypokalemic periodic paralysis, type 2. Last evaluated: 2018-01-13. Review status: criteria provided, single submitter. Criteria: ICSL Variant Classification Criteria 13 December 2019. Collection method: clinical testing. Allele origin: germline.
Comment: the same text as in the submission from Illumina Laboratory Services, Illumina above.

Illumina Laboratory Services, Illumina
Classification: Likely benign for Hyperkalemic periodic paralysis. Last evaluated: 2018-01-13. Review status: criteria provided, single submitter. Criteria: ICSL Variant Classification Criteria 13 December 2019. Collection method: clinical testing. Allele origin: germline.
Comment: the same text as in the submission from Illumina Laboratory Services, Illumina above.

Illumina Laboratory Services, Illumina
Classification: Uncertain significance for Congenital myasthenic syndrome 16. Last evaluated: 2018-01-13. Review status: criteria provided, single submitter. Criteria: ICSL Variant Classification Criteria 13 December 2019. Collection method: clinical testing. Allele origin: germline.

Illumina Laboratory Services, Illumina
Classification: Likely benign for Paramyotonia congenita of Von Eulenburg. Last evaluated: 2018-01-13. Review status: criteria provided, single submitter. Criteria: ICSL Variant Classification Criteria 13 December 2019. Collection method: clinical testing. Allele origin: germline.
Comment: the same text as in the submission from Illumina Laboratory Services, Illumina above.

NM_000334.4(SCN4A):c.-4G>A

Gene: SCN4A (sodium voltage-gated channel alpha subunit 4; minus strand). Cytogenetic location: 17q23.3.
Variant type: single nucleotide variant.
Coding change: c.-4G>A on transcript NM_000334.4 (MANE Select); 4 bases upstream of the start codon, G replaced by A.
Molecular consequence: 5 prime UTR variant.
Genome position (GRCh38, 1-based): chr17:63,972,845, C>T on the plus strand (G>A on the coding strand, the complement: SCN4A is on the minus strand). VCF-style: chr17-63972845-C-T. GRCh37 (hg19) VCF-style: chr17-62050205-C-T.
Identifiers: ClinVar variation 324555 (VCV000324555.9), dbSNP rs565414568, ClinGen allele CA8710313.
Genomic context (GRCh38, chr17:63,972,845, plus strand): 5'-GGGGCGCAAGCACTCAGGGCCCAGAGGCACCAGGGTGCACAGAGATGGTCTGGCCATCCT[C>T]GCATCCTGGGCTCAGAGACCAGAAGGGTGGTGGGTGGCCTGGGGAGCTGCAGTGCGCAGC-3'